The following is an entry in ClinVar:

NM_021072.4(HCN1):c.1230+1G>T

Gene: HCN1 (hyperpolarization activated cyclic nucleotide gated potassium channel 1; minus strand). Cytogenetic location: 5p12.
Variant type: single nucleotide variant.
Coding change: c.1230+1G>T on transcript NM_021072.4 (MANE Select); the canonical splice donor site of the intron after coding-DNA position 1230, G replaced by T.
Molecular consequence: splice donor variant.
Genome position (GRCh38, 1-based): chr5:45,396,491, C>A on the plus strand (G>T on the coding strand, the complement: HCN1 is on the minus strand). VCF-style: chr5-45396491-C-A. GRCh37 (hg19) VCF-style: chr5-45396593-C-A.
Identifiers: ClinVar variation 939280 (VCV000939280.10), dbSNP rs1739690273, ClinGen allele CA359705132.

ClinVar aggregate classification (germline): Uncertain significance. Review status: criteria provided, multiple submitters, no conflicts (2 of 4 stars). 2 submissions from 2 submitters: Uncertain significance (2). Last evaluated 2023-07-26.

Conditions:
Early-infantile DEE. Also called: Early infantile epileptic encephalopathy; Ohtahara syndrome; Early infantile epileptic encephalopathy with suppression bursts. Identifiers: Orphanet 1934, MedGen C0393706, MONDO:0800491.

Submissions (2):

Greenwood Genetic Center Diagnostic Laboratories, Greenwood Genetic Center
Classification: Uncertain significance. Last evaluated: 2023-07-26. Review status: criteria provided, single submitter. Criteria: ACMG Guidelines, 2015. Collection method: clinical testing. Allele origin: germline. Affected: yes.
Comment: PM2, PP3

Labcorp Genetics (formerly Invitae), Labcorp
Classification: Uncertain significance for Early-infantile DEE. Last evaluated: 2019-09-24. Review status: criteria provided, single submitter. Criteria: Invitae Variant Classification Sherloc (09022015). Collection method: clinical testing. Allele origin: germline.
Comment: This sequence change affects a donor splice site in intron 4 of the HCN1 gene. It is expected to disrupt RNA splicing and likely results in an absent or disrupted protein product. This variant is not present in population databases (ExAC no frequency). This variant has not been reported in the literature in individuals with HCN1-related conditions. Algorithms developed to predict the effect of sequence changes on RNA splicing suggest that this variant may disrupt the consensus splice site, but this prediction has not been confirmed by published transcriptional studies. The current clinical and genetic evidence is not sufficient to establish whether loss-of-function variants in HCN1 cause disease. In summary, the available evidence is currently insufficient to determine the role of this variant in disease. Therefore, it has been classified as a Variant of Uncertain Significance.